The following is an entry in ClinVar:

ClinVar aggregate classification (germline): Uncertain significance (1 of 4 stars; one submission).

Submission:

Labcorp Genetics (formerly Invitae), Labcorp
Classification: Uncertain significance. Last evaluated: 2024-01-06. Review status: criteria provided, single submitter. Criteria: Invitae Variant Classification Sherloc (09022015). Collection method: clinical testing. Allele origin: unknown.
Comment: A copy number gain of the genomic region encompassing the full coding sequence of the ABL1 gene has been identified. The boundaries of this event are unknown as they extend beyond the assayed region for this gene and therefore may encompass additional genes. As the precise location of this event is unknown, it may be in tandem or it may be located elsewhere in the genome. A similar copy number variant has been observed in individual(s) with clinical features of congenital heart defects and skeletal malformations syndrome (Invitae). Experimental studies and prediction algorithms are not available or were not evaluated, and the functional significance of this variant is currently unknown. In summary, the available evidence is currently insufficient to determine the role of this variant in disease. Therefore, it has been classified as a Variant of Uncertain Significance.

NC_000009.11:g.(?_133540041)_(133884994_?)dup

Genes: ABL1 (ABL proto-oncogene 1, non-receptor tyrosine kinase; plus strand), EXOSC2 (exosome component 2; plus strand), FIBCD1 (fibrinogen C domain containing 1; minus strand), LAMC3 (laminin subunit gamma 3; plus strand), PRDM12 (PR/SET domain 12; plus strand) and 1 more. Cytogenetic location: 9q34.12.
Variant type: Duplication.
Identifiers: ClinVar variation 3245343 (VCV003245343.1).